The following is an entry in ClinVar:

ClinVar aggregate classification (germline): Pathogenic/Likely pathogenic. Review status: criteria provided, multiple submitters, no conflicts (2 of 4 stars). 9 submissions from 7 submitters: Pathogenic (2); Likely pathogenic (3). 4 of the submissions do not count toward it. Last evaluated 2025-06-17.

Conditions:
DYNC2H1-related disorder. Also called: DYNC2H1-related disorders; DYNC2H1-related condition. Identifiers: MedGen CN378770.
Jeune thoracic dystrophy. Also called: Short-rib thoracic dysplasia; Jeune syndrome; Infantile thoracic dystrophy; Thoracic pelvic phalangeal dystrophy; Jeune's syndrome; Chondroectodermal dysplasia-like syndrome. Identifiers: Orphanet 474, MedGen C0265275, MONDO:0018770.
Asphyxiating thoracic dystrophy 3. Also called: SHORT-RIB THORACIC DYSPLASIA 3 WITH OR WITHOUT POLYDACTYLY; POLYDACTYLY WITH NEONATAL CHONDRODYSTROPHY, TYPE I; SHORT-RIB THORACIC DYSPLASIA 3/6 WITH POLYDACTYLY, DIGENIC; Saldino-Noonan Syndrome; Short rib polydactyly syndrome 2B. Identifiers: Orphanet 474, Orphanet 93269, Orphanet 93270, Orphanet 93271, MedGen C0036069, MONDO:0013127, OMIM 613091.

Allele frequency attached by ClinVar (database versions not stated): ExAC 0.00002; gnomAD 0.00003 and 0.00004; gnomAD exomes 0.00003 and 0.00004; TOPMed 0.00003; ESP Exome Variant Server 0.00008.
gnomAD v4.1: 69 of 1,613,716 alleles (0.0043%); highest among the groups gnomAD compares: Non-Finnish European, 0.0056%; no homozygotes.

Submissions (9):

PreventionGenetics, part of Exact Sciences
Classification: Likely pathogenic for DYNC2H1-related condition. Last evaluated: 2025-06-17. Review status: criteria provided, single submitter. Criteria: ACMG Guidelines, 2015. Collection method: clinical testing. Allele origin: germline.
Comment: The DYNC2H1 c.12850A>G variant is predicted to result in the amino acid substitution p.Arg4284Gly. This variant has been reported with a second DYNC2H1 pathogenic variant in multiple individuals with short-rib polydactyly syndrome or asphyxiating thoracic dystrophy (Table S2, Zhang et al. 2018. PubMed ID: 29068549; Supplementary Table 2, Scocchia et al. 2021. PubMed ID: 34627339). In at least one individual, this variant was observed in trans with the pathogenic variant (R12-038A in Table S2, Zhang et al. 2018. PubMed ID: 29068549). This variant is reported in 0.0055% of alleles in individuals of European (Non-Finnish) descent in gnomAD. This variant is classified as pathogenic or likely pathogenic in ClinVar. Taken together, this variant is interpreted as likely pathogenic.

Labcorp Genetics (formerly Invitae), Labcorp
Classification: Pathogenic for Jeune thoracic dystrophy. Last evaluated: 2024-11-22. Review status: criteria provided, single submitter. Criteria: Invitae Variant Classification Sherloc (09022015). Collection method: clinical testing. Allele origin: germline.
Comment: This sequence change replaces arginine, which is basic and polar, with glycine, which is neutral and non-polar, at codon 4284 of the DYNC2H1 protein (p.Arg4284Gly). This variant is present in population databases (rs368654019, gnomAD 0.006%). This missense change has been observed in individual(s) with short-rib thoracic dysplasia (PMID: 29068549). In at least one individual the data is consistent with being in trans (on the opposite chromosome) from a pathogenic variant. ClinVar contains an entry for this variant (Variation ID: 446547). Invitae Evidence Modeling of protein sequence and biophysical properties (such as structural, functional, and spatial information, amino acid conservation, physicochemical variation, residue mobility, and thermodynamic stability) has been performed for this missense variant. However, the output from this modeling did not meet the statistical confidence thresholds required to predict the impact of this variant on DYNC2H1 protein function. For these reasons, this variant has been classified as Pathogenic.

Fulgent Genetics
Classification: Likely pathogenic for Asphyxiating thoracic dystrophy 3. Last evaluated: 2024-06-11. Review status: criteria provided, single submitter. Criteria: ACMG Guidelines, 2015. Collection method: clinical testing. Allele origin: germline.

Women's Health and Genetics/Laboratory Corporation of America, LabCorp
Classification: Likely pathogenic for Asphyxiating thoracic dystrophy 3. Last evaluated: 2024-03-01. Review status: criteria provided, single submitter. Criteria: LabCorp Variant Classification Summary - May 2015. Collection method: clinical testing. Allele origin: germline.
Comment: Variant summary: DYNC2H1 c.12850A>G (p.Arg4284Gly) results in a non-conservative amino acid change located in the dynein heavy chain, C-terminal domain (IPR041228) of the encoded protein sequence. Four of five in-silico tools predict a damaging effect of the variant on protein function. The variant allele was found at a frequency of 2.8e-05 in 249216 control chromosomes. c.12850A>G has been reported in the literature in at least four compound heterozygous individuals affected with short-rib thoracic dysplasia or asphyxiating thoracic dystrophy (e.g., Zheng_2018, Scocchia_2021). These data indicate that the variant is likely to be associated with disease. To our knowledge, no experimental evidence demonstrating an impact on protein function has been reported. The following publications have been ascertained in the context of this evaluation (PMID: 34627339, 29068549). ClinVar contains an entry for this variant (Variation ID: 446547). Based on the evidence outlined above, the variant was classified as likely pathogenic.

Blueprint Genetics
Classification: Pathogenic for DYNC2H1-related disorders. Last evaluated: 2019-11-18. Review status: criteria provided, single submitter. Criteria: ACMG Guidelines, 2015. Collection method: clinical testing. Allele origin: germline. Affected: yes. Observed: 2 variant alleles.

Dan Cohn Lab, University Of California Los Angeles
Classification: Pathogenic for Asphyxiating thoracic dystrophy 3. Last evaluated: 2017-06-01. Review status: no assertion criteria provided. Collection method: research. Allele origin: inherited, unknown. Affected: yes. Not counted in ClinVar's aggregate classification.

Dan Cohn Lab, University Of California Los Angeles
Classification: Pathogenic for Asphyxiating thoracic dystrophy. Last evaluated: 2017-06-01. Review status: no assertion criteria provided. Collection method: research. Allele origin: maternal. Affected: yes. Not counted in ClinVar's aggregate classification.

University of Washington Center for Mendelian Genomics, University of Washington
Classification: Likely pathogenic for Asphyxiating thoracic dystrophy 3. Review status: no assertion criteria provided. Collection method: research. Allele origin: inherited. Affected: yes. Not counted in ClinVar's aggregate classification.

University of Washington Center for Mendelian Genomics, University of Washington
Classification: Likely pathogenic for asphyxiating thoracic dystrophy. Review status: no assertion criteria provided. Collection method: research. Allele origin: inherited. Affected: yes. Not counted in ClinVar's aggregate classification.

Literature cited by the submitters: PubMed 29068549 (cited by 4 submitters); PubMed 34627339 (cited by Women's Health and Genetics/Laboratory Corporation of America, LabCorp).

NM_001377.3(DYNC2H1):c.12829A>G (p.Arg4277Gly)

Gene: DYNC2H1 (dynein cytoplasmic 2 heavy chain 1; plus strand). Cytogenetic location: 11q22.3.
Variant type: single nucleotide variant.
Coding change: c.12829A>G on transcript NM_001377.3 (MANE Select); coding-DNA position 12829, A replaced by G.
Protein change: p.Arg4277Gly; replaces arginine 4277 with glycine.
Molecular consequence: missense variant.
Genome position (GRCh38, 1-based): chr11:103,479,158, A>G. VCF-style: chr11-103479158-A-G. GRCh37 (hg19) VCF-style: chr11-103349886-A-G.
Other names: c.12850A>G, p.Arg4284Gly (NM_001080463.2); short protein forms R4284G, R4277G.
Identifiers: ClinVar variation 446547 (VCV000446547.16), dbSNP rs368654019, ClinGen allele CA6255695.